The following is an entry in ClinVar:

ClinVar aggregate classification (germline): Uncertain significance. Review status: criteria provided, multiple submitters, no conflicts (2 of 4 stars). 4 submissions from 4 submitters: Uncertain significance (4). Last evaluated 2025-05-27.

Conditions:
Autosomal recessive limb-girdle muscular dystrophy type 2J (LGMDR10). Also called: MUSCULAR DYSTROPHY, LIMB-GIRDLE, AUTOSOMAL RECESSIVE 10; Limb-girdle muscular dystrophy, type 2J. Identifiers: Orphanet 140922, MedGen C1837342, MONDO:0012127, OMIM 608807.
Dilated cardiomyopathy 1G (CMD1G). Identifiers: Orphanet 154, MedGen C1858763, MONDO:0011400, OMIM 604145.
Myopathy, myofibrillar, 9, with early respiratory failure (MFM9). Also called: Myopathy, distal, with early respiratory failure, autosomal dominant; Hereditary myopathy with early respiratory failure; EDSTROM MYOPATHY; MYOPATHY, PROXIMAL, WITH EARLY RESPIRATORY MUSCLE INVOLVEMENT. Identifiers: Orphanet 178464, Orphanet 34521, MedGen C1863599, MONDO:0011362, OMIM 603689.
Tibial muscular dystrophy (TMD). Also called: UDD MYOPATHY; Tibial muscular dystrophy, tardive; Udd Distal Myopathy – Tibial Muscular Dystrophy. Identifiers: Orphanet 609, MedGen C1838244, MONDO:0010870, OMIM 600334.
Early-onset myopathy with fatal cardiomyopathy (CMYO5). Also called: Salih Myopathy; CONGENITAL MYOPATHY 5 WITH CARDIOMYOPATHY. Identifiers: Orphanet 289377, MedGen C2673677, MONDO:0012714, OMIM 611705. Disease mechanism: loss of function.
Hypertrophic cardiomyopathy 9. Also called: Familial hypertrophic cardiomyopathy 9. Identifiers: MedGen C1861065, MONDO:0013412, OMIM 613765.

Allele frequency attached by ClinVar (database versions not stated): gnomAD exomes 0.00001 and 0.00002; ExAC 0.00002; gnomAD 0.00002 and 0.00003; TOPMed 0.00002.
gnomAD v4.1: 36 of 1,613,752 alleles (0.0022%); highest among the groups gnomAD compares: Middle Eastern, 0.016%; no homozygotes.

Submissions (4):

Women's Health and Genetics/Laboratory Corporation of America, LabCorp
Classification: Uncertain significance. Last evaluated: 2025-05-27. Review status: criteria provided, single submitter. Criteria: LabCorp Variant Classification Summary - May 2015. Collection method: clinical testing. Allele origin: germline.
Comment: Variant summary: TTN c.24367C>T (p.Leu8123Phe) results in a non-conservative amino acid change in the encoded protein sequence. Algorithms developed to predict the effect of missense changes on protein structure and function are either unavailable or do not agree on the potential impact of this missense change. The variant allele was found at a frequency of 1.2e-05 in 248746 control chromosomes. The available data on variant occurrences in the general population are insufficient to allow any conclusion about variant significance. To our knowledge, no occurrence of c.24367C>T in individuals affected with TTN-related conditions and no experimental evidence demonstrating its impact on protein function have been reported. ClinVar contains an entry for this variant (Variation ID: 405011). Based on the evidence outlined above, the variant was classified as uncertain significance.

GeneDx
Classification: Uncertain significance. Last evaluated: 2024-09-11. Review status: criteria provided, single submitter. Criteria: GeneDx Variant Classification Process June 2021. Collection method: clinical testing. Allele origin: germline. Affected: yes.
Comment: Not observed at significant frequency in large population cohorts (gnomAD); Missense variant in a gene in which most reported pathogenic variants are truncating/loss of function; Has not been previously published as pathogenic or benign to our knowledge

Fulgent Genetics
Classification: Uncertain significance for Tibial muscular dystrophy; Myopathy, myofibrillar, 9, with early respiratory failure; Dilated cardiomyopathy 1G; Autosomal recessive limb-girdle muscular dystrophy type 2J; Early-onset myopathy with fatal cardiomyopathy; Hypertrophic cardiomyopathy 9. Last evaluated: 2021-10-12. Review status: criteria provided, single submitter. Criteria: ACMG Guidelines, 2015. Collection method: clinical testing. Allele origin: unknown.

Labcorp Genetics (formerly Invitae), Labcorp
Classification: Uncertain significance for Dilated cardiomyopathy 1G; Autosomal recessive limb-girdle muscular dystrophy type 2J. Last evaluated: 2016-05-15. Review status: criteria provided, single submitter. Criteria: Invitae Variant Classification Sherloc (09022015). Collection method: clinical testing. Allele origin: germline.

NM_001267550.2(TTN):c.28099C>T (p.Leu9367Phe)

Gene: TTN (titin; minus strand). Cytogenetic location: 2q31.2.
Variant type: single nucleotide variant.
Coding change: c.28099C>T on transcript NM_001267550.2 (MANE Select); coding-DNA position 28099, C replaced by T.
Protein change: p.Leu9367Phe; replaces leucine 9367 with phenylalanine.
Molecular consequence: missense variant. On other transcripts: intron variant (3).
Genome position (GRCh38, 1-based): chr2:178,711,137, G>A on the plus strand (C>T on the coding strand, the complement: TTN is on the minus strand). VCF-style: chr2-178711137-G-A. GRCh37 (hg19) VCF-style: chr2-179575864-G-A.
Other names: c.27148C>T, p.Leu9050Phe (NM_001256850.1); c.24367C>T, p.Leu8123Phe (NM_133378.4); c.13282+26945C>T (NM_003319.4); c.13858+26945C>T (NM_133437.4); c.13657+26945C>T (NM_133432.3); c.28099C>T (NM_001267550.1); short protein forms L9367F, L9050F, L8123F.
Identifiers: ClinVar variation 405011 (VCV000405011.6), dbSNP rs748483786, ClinGen allele CA1999658.